The following is an entry in ClinVar:

NM_015425.6(POLR1A):c.3644C>A (p.Ala1215Asp)

Gene: POLR1A (RNA polymerase I subunit A; minus strand). Cytogenetic location: 2p11.2.
Variant type: single nucleotide variant.
Coding change: c.3644C>A on transcript NM_015425.6 (MANE Select); coding-DNA position 3644, C replaced by A.
Protein change: p.Ala1215Asp; replaces alanine 1215 with aspartic acid.
Molecular consequence: missense variant.
Genome position (GRCh38, 1-based): chr2:86,040,488, G>T on the plus strand (C>A on the coding strand, the complement: POLR1A is on the minus strand). VCF-style: chr2-86040488-G-T. GRCh37 (hg19) VCF-style: chr2-86267611-G-T.
Other names: short protein forms A1215D.
Identifiers: ClinVar variation 4744905 (VCV004744905.1).
Genomic context (GRCh38, chr2:86,040,488, plus strand): 5'-CCTGCAAAGTGGAAGGTGTTGAGGGTCATCTGGGTGGAGGGCTCTCCGATGCTCTGGGCA[G>T]CCAGCAGGCCCACAGCCTCGCCCGGCTCACACAGTGAGCGCTGCCACTTCAGCTGCAGCA-3'
Protein context (NP_056240.2, residues 1205-1225): CEPGEAVGLL[Ala1215Asp]AQSIGEPSTQ

ClinVar aggregate classification (germline): Uncertain significance (1 of 4 stars; one submission).

Submission:

Labcorp Genetics (formerly Invitae), Labcorp
Classification: Uncertain significance. Last evaluated: 2025-12-24. Review status: criteria provided, single submitter. Criteria: Invitae Variant Classification Sherloc (09022015). Collection method: clinical testing. Allele origin: germline.
Comment: This sequence change replaces alanine, which is neutral and non-polar, with aspartic acid, which is acidic and polar, at codon 1215 of the POLR1A protein (p.Ala1215Asp). This variant is not present in population databases (gnomAD no frequency). This variant has not been reported in the literature in individuals affected with POLR1A-related conditions. Invitae Evidence Modeling of protein sequence and biophysical properties (such as structural, functional, and spatial information, amino acid conservation, physicochemical variation, residue mobility, and thermodynamic stability) indicates that this missense variant is expected to disrupt POLR1A protein function with a positive predictive value of 80%. In summary, the available evidence is currently insufficient to determine the role of this variant in disease. Therefore, it has been classified as a Variant of Uncertain Significance.